The following is an entry in ClinVar:

ClinVar aggregate classification (germline): Uncertain significance. Review status: criteria provided, multiple submitters, no conflicts (2 of 4 stars). 2 submissions from 2 submitters: Uncertain significance (2). Last evaluated 2025-08-01.

Conditions:
Inborn genetic diseases. Identifiers: MedGen C0950123, MeSH D030342.

Submissions (2):

Ambry Genetics
Classification: Uncertain significance for Inborn genetic diseases. Last evaluated: 2025-08-01. Review status: criteria provided, single submitter. Criteria: Ambry Variant Classification Scheme 2023. Collection method: clinical testing. Allele origin: germline.
Comment: The p.S422R variant (also known as c.1266C>A), located in coding exon 5 of the MBD4 gene, results from a C to A substitution at nucleotide position 1266. The serine at codon 422 is replaced by arginine, an amino acid with dissimilar properties. This amino acid position is conserved. In addition, the in silico prediction for this alteration is inconclusive. Based on the available evidence, the clinical significance of this variant remains unclear.

Labcorp Genetics (formerly Invitae), Labcorp
Classification: Uncertain significance. Last evaluated: 2023-12-25. Review status: criteria provided, single submitter. Criteria: Invitae Variant Classification Sherloc (09022015). Collection method: clinical testing. Allele origin: germline.
Comment: This sequence change replaces serine, which is neutral and polar, with arginine, which is basic and polar, at codon 428 of the MBD4 protein (p.Ser428Arg). This variant is not present in population databases (gnomAD no frequency). This variant has not been reported in the literature in individuals affected with MBD4-related conditions. An algorithm developed to predict the effect of missense changes on protein structure and function (PolyPhen-2) suggests that this variant is likely to be disruptive. In summary, the available evidence is currently insufficient to determine the role of this variant in disease. Therefore, it has been classified as a Variant of Uncertain Significance.

NM_001276270.2(MBD4):c.1266C>A (p.Ser422Arg)

Gene: MBD4 (methyl-CpG binding domain 4, DNA glycosylase; minus strand). Cytogenetic location: 3q21.3.
Variant type: single nucleotide variant.
Coding change: c.1266C>A on transcript NM_001276270.2 (MANE Select); coding-DNA position 1266, C replaced by A.
Protein change: p.Ser422Arg; replaces serine 422 with arginine.
Molecular consequence: missense variant.
Genome position (GRCh38, 1-based): chr3:129,433,977, G>T on the plus strand (C>A on the coding strand, the complement: MBD4 is on the minus strand). VCF-style: chr3-129433977-G-T. GRCh37 (hg19) VCF-style: chr3-129152820-G-T.
Other names: c.1284C>A, p.Ser428Arg (NM_001276271.2, NM_001276272.2, NM_003925.3); c.330C>A, p.Ser110Arg (NM_001276273.2); short protein forms S110R, S422R, S428R.
Identifiers: ClinVar variation 2705441 (VCV002705441.4), dbSNP rs758935058, ClinGen allele CA354466103.